The following is an entry in ClinVar:

NM_002485.5(NBN):c.741G>A (p.Gly247=)

Gene: NBN (nibrin; minus strand). Cytogenetic location: 8q21.3.
Variant type: single nucleotide variant.
Coding change: c.741G>A on transcript NM_002485.5 (MANE Select); coding-DNA position 741, G replaced by A.
Protein change: p.Gly247=; no amino-acid change (glycine 247 retained).
Molecular consequence: synonymous variant.
Genome position (GRCh38, 1-based): chr8:89,970,519, C>T on the plus strand (G>A on the coding strand, the complement: NBN is on the minus strand). VCF-style: chr8-89970519-C-T. GRCh37 (hg19) VCF-style: chr8-90982747-C-T.
Other names: c.495G>A, p.Gly165= (NM_001024688.3).
Identifiers: ClinVar variation 391011 (VCV000391011.17), dbSNP rs747021126, ClinGen allele CA4802892.

ClinVar aggregate classification (germline): Likely benign. Review status: criteria provided, multiple submitters, no conflicts (2 of 4 stars). 3 submissions from 3 submitters: Likely benign (3). Last evaluated 2023-03-07.

Conditions:
Hereditary cancer-predisposing syndrome. Also called: Neoplastic Syndromes, Hereditary; Hereditary neoplastic syndrome; Tumor predisposition; Hereditary Cancer Syndrome. Identifiers: Orphanet 140162, MedGen C0027672, MeSH D009386, MONDO:0015356.
Microcephaly, normal intelligence and immunodeficiency (NBS). Also called: BERLIN BREAKAGE SYNDROME; Immunodeficiency, microcephaly with normal intelligence; Nijmegen breakage syndrome; Microcephaly with normal intelligence immunodeficiency and lymphoreticular malignancies; Nonsyndromal microcephaly autosomal recessive with normal intelligence; Seemanova syndrome 2. Identifiers: Orphanet 647, MedGen C0398791, MONDO:0009623, OMIM 251260.

Allele frequency attached by ClinVar (database versions not stated): gnomAD exomes below 0.00001; ExAC 0.00001.
gnomAD v4.1: 5 of 1,613,806 alleles (0.00031%); highest among the groups gnomAD compares: Non-Finnish European, 0.00042%; no homozygotes.

Submissions (3):

Labcorp Genetics (formerly Invitae), Labcorp
Classification: Likely benign for Microcephaly, normal intelligence and immunodeficiency. Last evaluated: 2023-03-07. Review status: criteria provided, single submitter. Criteria: Invitae Variant Classification Sherloc (09022015). Collection method: clinical testing. Allele origin: germline.

Ambry Genetics
Classification: Likely benign for Hereditary cancer-predisposing syndrome. Last evaluated: 2018-02-28. Review status: criteria provided, single submitter. Criteria: Ambry Variant Classification Scheme 2023. Collection method: clinical testing. Allele origin: germline.

GeneDx
Classification: Likely benign. Last evaluated: 2016-11-09. Review status: criteria provided, single submitter. Criteria: GeneDx Variant Classification (06012015). Collection method: clinical testing. Allele origin: germline. Affected: yes.
Comment: This variant is considered likely benign or benign based on one or more of the following criteria: it is a conservative change, it occurs at a poorly conserved position in the protein, it is predicted to be benign by multiple in silico algorithms, and/or has population frequency not consistent with disease.